The following is an entry in ClinVar:

ClinVar aggregate classification (germline): Uncertain significance. Review status: criteria provided, multiple submitters, no conflicts (2 of 4 stars). 2 submissions from 2 submitters: Uncertain significance (2). Last evaluated 2024-01-03.

Conditions:
Wolfram-like syndrome. Also called: HEARING LOSS, PROGRESSIVE, WITH OPTIC ATROPHY AND/OR IMPAIRED GLUCOSE REGULATION. Identifiers: Orphanet 411590, MedGen C3280358, MONDO:0013673, OMIM 614296.
Cataract 41 (CTRCT41). Also called: CATARACT 41, CONGENITAL NUCLEAR TYPE. Identifiers: Orphanet 91492, Orphanet 98991, Orphanet 98992, Orphanet 98995, MedGen C3805412, MONDO:0007287, OMIM 116400.
Autosomal dominant nonsyndromic hearing loss 6 (LFSNHL). Also called: DEAFNESS, AUTOSOMAL DOMINANT 6; DEAFNESS, AUTOSOMAL DOMINANT 14; DEAFNESS, AUTOSOMAL DOMINANT 38; Autosomal dominant nonsyndromic deafness 6. Identifiers: Orphanet 90635, MedGen C1833021, MONDO:0010963, OMIM 600965.
Type 2 diabetes mellitus. Also called: Type II diabetes mellitus. Identifiers: MedGen C0011860, MeSH D003924, MONDO:0005148, OMIM 125853, HP:0005978.
Wolfram syndrome 1 (WFS1). Identifiers: Orphanet 3463, MedGen C4551693, MONDO:0009101, OMIM 222300.

Allele frequency attached by ClinVar (database versions not stated): gnomAD exomes 0.00002; ExAC 0.00004.
gnomAD v4.1: 9 of 1,611,674 alleles (0.00056%); highest among the groups gnomAD compares: East Asian, 0.02%; no homozygotes.

Submissions (2):

Fulgent Genetics
Classification: Uncertain significance for Cataract 41; Type 2 diabetes mellitus; Wolfram syndrome 1; Autosomal dominant nonsyndromic hearing loss 6; Wolfram-like syndrome. Last evaluated: 2024-01-03. Review status: criteria provided, single submitter. Criteria: ACMG Guidelines, 2015. Collection method: clinical testing. Allele origin: germline.

Labcorp Genetics (formerly Invitae), Labcorp
Classification: Uncertain significance. Last evaluated: 2022-09-30. Review status: criteria provided, single submitter. Criteria: Invitae Variant Classification Sherloc (09022015). Collection method: clinical testing. Allele origin: germline.
Comment: In summary, the available evidence is currently insufficient to determine the role of this variant in disease. Therefore, it has been classified as a Variant of Uncertain Significance. Advanced modeling of protein sequence and biophysical properties (such as structural, functional, and spatial information, amino acid conservation, physicochemical variation, residue mobility, and thermodynamic stability) performed at Invitae indicates that this missense variant is not expected to disrupt WFS1 protein function. This missense change has been observed in individual(s) with maturity-onset diabetes of the young (PMID: 25765181). This variant is present in population databases (rs759503452, gnomAD 0.04%). This sequence change replaces valine, which is neutral and non-polar, with glycine, which is neutral and non-polar, at codon 509 of the WFS1 protein (p.Val509Gly).

Literature cited by the submitters: PubMed 25765181 (cited by Labcorp Genetics (formerly Invitae), Labcorp).

NM_006005.3(WFS1):c.1526T>G (p.Val509Gly)

Gene: WFS1 (wolframin ER transmembrane glycoprotein; plus strand). Cytogenetic location: 4p16.1.
Variant type: single nucleotide variant.
Coding change: c.1526T>G on transcript NM_006005.3 (MANE Select); coding-DNA position 1526, T replaced by G.
Protein change: p.Val509Gly; replaces valine 509 with glycine.
Molecular consequence: missense variant.
Genome position (GRCh38, 1-based): chr4:6,301,321, T>G. VCF-style: chr4-6301321-T-G. GRCh37 (hg19) VCF-style: chr4-6303048-T-G.
Other names: c.1526T>G, p.Val509Gly (NM_001145853.1); short protein forms V509G.
Identifiers: ClinVar variation 2203520 (VCV002203520.6), dbSNP rs759503452, ClinGen allele CA2839391.